The following is an entry in ClinVar:

NM_001374736.1(DST):c.2923C>A (p.Gln975Lys)

Gene: DST (dystonin; minus strand). Cytogenetic location: 6p12.1.
Variant type: single nucleotide variant.
Coding change: c.2923C>A on transcript NM_001374736.1 (MANE Select); coding-DNA position 2923, C replaced by A.
Protein change: p.Gln975Lys; replaces glutamine 975 with lysine.
Molecular consequence: missense variant.
Genome position (GRCh38, 1-based): chr6:56,639,300, G>T on the plus strand (C>A on the coding strand, the complement: DST is on the minus strand). VCF-style: chr6-56639300-G-T. GRCh37 (hg19) VCF-style: chr6-56504098-G-T.
Other names: c.2824C>A, p.Gln942Lys (NM_001144769.5); c.2410C>A, p.Gln804Lys (NM_001144770.2); c.2923C>A, p.Gln975Lys (NM_001374722.1); c.2290C>A, p.Gln764Lys (NM_001374729.1, NM_001374730.1, NM_001386100.1 and 1 more transcripts); c.2950C>A, p.Gln984Lys (NM_001374734.1); c.1312C>A, p.Gln438Lys (NM_001723.7, NM_015548.5); short protein forms Q764K, Q942K, Q804K, Q438K, Q975K, Q984K.
Identifiers: ClinVar variation 1796484 (VCV001796484.2), dbSNP rs763180761, ClinGen allele CA3871297.
Genomic context (GRCh38, chr6:56,639,300, plus strand): 5'-TTACACTTTCCAGCTTTACCTCAATAGTTAACCGGGCTGGATGATTTTCTAGAAGTAGCT[G>T]CTCTGCTATCTCCTGAACTGATTTAATATTTTCTTCCTTTTGATCAAGTTCTCTCATTAA-3'
Protein context (NP_001361665.1, residues 965-985): NIKSVQEIAE[Gln975Lys]LLLENHPARL

ClinVar aggregate classification (germline): Uncertain significance (1 of 4 stars; one submission).

Conditions:
Inborn genetic diseases. Identifiers: MedGen C0950123, MeSH D030342.

Allele frequency attached by ClinVar (database versions not stated): gnomAD exomes 0.00001; ExAC 0.00002.
gnomAD v4.1: 11 of 1,613,764 alleles (0.00068%); highest among the groups gnomAD compares: Non-Finnish European, 0.00085%; no homozygotes.

Submission:

Ambry Genetics
Classification: Uncertain significance for Inborn genetic diseases. Last evaluated: 2022-03-04. Review status: criteria provided, single submitter. Criteria: Ambry Variant Classification Scheme 2023. Collection method: clinical testing. Allele origin: germline.
Comment: The p.Q942K variant (also known as c.2824C>A), located in coding exon 21 of the DST gene, results from a C to A substitution at nucleotide position 2824. The glutamine at codon 942 is replaced by lysine, an amino acid with similar properties. This amino acid position is not well conserved in available vertebrate species. In addition, this alteration is predicted to be tolerated by in silico analysis. Since supporting evidence is limited at this time, the clinical significance of this alteration remains unclear.